The following is an entry in ClinVar:

ClinVar aggregate classification (germline): Uncertain significance (1 of 4 stars; one submission).

Allele frequency attached by ClinVar (database versions not stated): gnomAD exomes 0.00001.
gnomAD v4.1: 15 of 1,614,132 alleles (0.00093%); highest among the groups gnomAD compares: Non-Finnish European, 0.0012%; no homozygotes.

Submission:

Labcorp Genetics (formerly Invitae), Labcorp
Classification: Uncertain significance. Last evaluated: 2022-05-18. Review status: criteria provided, single submitter. Criteria: Invitae Variant Classification Sherloc (09022015). Collection method: clinical testing. Allele origin: germline.
Comment: This sequence change replaces alanine, which is neutral and non-polar, with threonine, which is neutral and polar, at codon 544 of the ASNS protein (p.Ala544Thr). This variant is not present in population databases (gnomAD no frequency). This variant has not been reported in the literature in individuals affected with ASNS-related conditions. Advanced modeling of protein sequence and biophysical properties (such as structural, functional, and spatial information, amino acid conservation, physicochemical variation, residue mobility, and thermodynamic stability) performed at Invitae indicates that this missense variant is expected to disrupt ASNS protein function. In summary, the available evidence is currently insufficient to determine the role of this variant in disease. Therefore, it has been classified as a Variant of Uncertain Significance.

NM_001673.5(ASNS):c.1630G>A (p.Ala544Thr)

Genes: ASNS (asparagine synthetase (glutamine-hydrolyzing); minus strand), CZ1P-ASNS (CZ1P-ASNS readthrough; minus strand). Cytogenetic location: 7q21.3.
Variant type: single nucleotide variant.
Coding change: c.1630G>A on transcript NM_001673.5 (MANE Select); coding-DNA position 1630, G replaced by A.
Protein change: p.Ala544Thr; replaces alanine 544 with threonine.
Molecular consequence: missense variant. On other transcripts: non-coding transcript variant (1).
Genome position (GRCh38, 1-based): chr7:97,852,315, C>T on the plus strand (G>A on the coding strand, the complement: ASNS is on the minus strand). VCF-style: chr7-97852315-C-T. GRCh37 (hg19) VCF-style: chr7-97481627-C-T.
Other names: c.1567G>A, p.Ala523Thr (NM_001178075.2); c.1381G>A, p.Ala461Thr (NM_001178076.2, NM_001178077.1); c.1630G>A, p.Ala544Thr (NM_001352496.2, NM_133436.3, NM_183356.4); short protein forms A523T, A544T, A461T.
Identifiers: ClinVar variation 1972077 (VCV001972077.2), dbSNP rs1562811035, ClinGen allele CA368264052.